The following is an entry in ClinVar:

NM_002294.3(LAMP2):c.253G>A (p.Gly85Ser)

Gene: LAMP2 (lysosome associated membrane protein 2; minus strand). Cytogenetic location: Xq24.
Variant type: single nucleotide variant.
Coding change: c.253G>A on transcript NM_002294.3 (MANE Select); coding-DNA position 253, G replaced by A.
Protein change: p.Gly85Ser; replaces glycine 85 with serine.
Molecular consequence: missense variant.
Genome position (GRCh38, 1-based): chrX:120,455,501, C>T on the plus strand (G>A on the coding strand, the complement: LAMP2 is on the minus strand). VCF-style: chrX-120455501-C-T. GRCh37 (hg19) VCF-style: chrX-119589356-C-T.
Other names: c.253G>A, p.Gly85Ser (NM_001122606.1, NM_013995.2); short protein forms G85S.
Identifiers: ClinVar variation 418563 (VCV000418563.8), dbSNP rs371149731, ClinGen allele CA16621191.
Genomic context (GRCh38, chrX:120,455,501, plus strand): 5'-CCTTGGTAAAATTCGCAATCCAGGAAAAGCCAGGTCCGAACTGCACTGCTATTTTGGGAC[C>T]ATTCTGATCATCCCCACAAATGCTTCCATTATATGTCACAGTGCCATGGTCTGAAATGGT-3'
Protein context (NP_002285.1, residues 75-95): NGSICGDDQN[Gly85Ser]PKIAVQFGPG

ClinVar aggregate classification (germline): Uncertain significance. Review status: criteria provided, multiple submitters, no conflicts (2 of 4 stars). 3 submissions from 3 submitters: Uncertain significance (3). Last evaluated 2025-03-27.

Conditions:
Cardiovascular phenotype. Identifiers: MedGen CN230736.
Danon disease. Also called: Glycogen Storage Disease Type IIb; ANTOPOL DISEASE; PSEUDOGLYCOGENOSIS II; GSD IIb; LYSOSOMAL GLYCOGEN STORAGE DISEASE WITHOUT ACID MALTASE DEFICIENCY. Identifiers: Orphanet 34587, MedGen C0878677, MONDO:0010281, OMIM 300257.

Allele frequency attached by ClinVar (database versions not stated): gnomAD exomes 0.00001 and below 0.00001; TOPMed 0.00001; gnomAD 0.00001; ESP Exome Variant Server 0.00009.
gnomAD v4.1: 6 of 1,208,164 alleles (0.0005%); highest among the groups gnomAD compares: Non-Finnish European, 0.00067%; no homozygotes.

Submissions (3):

Ambry Genetics
Classification: Uncertain significance for Cardiovascular phenotype. Last evaluated: 2025-03-27. Review status: criteria provided, single submitter. Criteria: Ambry Variant Classification Scheme 2023. Collection method: clinical testing. Allele origin: germline.
Comment: The p.G85S variant (also known as c.253G>A), located in coding exon 3 of the LAMP2 gene, results from a G to A substitution at nucleotide position 253. The glycine at codon 85 is replaced by serine, an amino acid with similar properties. This variant was reported in individual(s) with features consistent with hypertrophic cardiomyopathy (Harper AR. Nat Genet. 2021 Feb;53(2):135-142; Ambry internal data). Based on data from gnomAD, the A allele has an overall frequency of 0.0005% (1/183453) total alleles studied, with 0 hemizygotes observed. The highest observed frequency was 0.001% (1/81916) of European (non-Finnish) alleles. This amino acid position is not well conserved in available vertebrate species, and serine is the reference amino acid in other vertebrate species. In addition, this alteration is predicted to be tolerated by in silico analysis. Based on the available evidence, the clinical significance of this variant remains unclear.

Labcorp Genetics (formerly Invitae), Labcorp
Classification: Uncertain significance for Danon disease. Last evaluated: 2022-03-11. Review status: criteria provided, single submitter. Criteria: Invitae Variant Classification Sherloc (09022015). Collection method: clinical testing. Allele origin: germline.
Comment: In summary, the available evidence is currently insufficient to determine the role of this variant in disease. Therefore, it has been classified as a Variant of Uncertain Significance. Algorithms developed to predict the effect of missense changes on protein structure and function output the following: SIFT: "Tolerated"; PolyPhen-2: "Benign"; Align-GVGD: "Class C0". The serine amino acid residue is found in multiple mammalian species, which suggests that this missense change does not adversely affect protein function. This sequence change replaces glycine, which is neutral and non-polar, with serine, which is neutral and polar, at codon 85 of the LAMP2 protein (p.Gly85Ser). This variant is present in population databases (rs371149731, gnomAD 0.001%). This variant has not been reported in the literature in individuals affected with LAMP2-related conditions. ClinVar contains an entry for this variant (Variation ID: 418563).

GeneDx
Classification: Uncertain significance. Last evaluated: 2016-10-27. Review status: criteria provided, single submitter. Criteria: GeneDx Variant Classification (06012015). Collection method: clinical testing. Allele origin: germline. Affected: yes.
Comment: A variant of uncertain significance has been identified in the LAMP2 gene. The G85S variant has not been published as a pathogenic variant, nor has it been reported as a benign variant to our knowledge. The G85S variant was not observed at a significant frequency in approximately 6,500 individuals of European and African American ancestry in the NHLBI Exome Sequencing Project, indicating it is not a common benign variant in these populations. The G85S variant is a non-conservative amino acid substitution, which is likely to impact secondary protein structure as these residues differ in polarity, charge, size and/or other properties. However, this substitution occurs at a position that is not conserved across species, and Serine is the wild-type amino acid at this position in at least one species. Furthermore, in silico analysis predicts this variant likely does not alter the protein structure/function.Therefore, based on the currently available information, it is unclear whether this variant is pathogenic or benign.

Literature cited by the submitters: PubMed 33495597 (cited by Ambry Genetics).